The following is an entry in ClinVar:

NM_006206.6(PDGFRA):c.1052A>C (p.Lys351Thr)

Gene: PDGFRA (platelet derived growth factor receptor alpha; plus strand). Cytogenetic location: 4q12.
Variant type: single nucleotide variant.
Coding change: c.1052A>C on transcript NM_006206.6 (MANE Select); coding-DNA position 1052, A replaced by C.
Protein change: p.Lys351Thr; replaces lysine 351 with threonine.
Molecular consequence: missense variant.
Genome position (GRCh38, 1-based): chr4:54,267,672, A>C. VCF-style: chr4-54267672-A-C. GRCh37 (hg19) VCF-style: chr4-55133839-A-C.
Other names: c.1052A>C, p.Lys351Thr (NM_001347827.2, NM_001347829.2); c.1127A>C, p.Lys376Thr (NM_001347828.2); c.1091A>C, p.Lys364Thr (NM_001347830.2); short protein forms K364T, K351T, K376T.
Identifiers: ClinVar variation 4743303 (VCV004743303.1).
Genomic context (GRCh38, chr4:54,267,672, plus strand): 5'-AAGTCAAACATTTTGTTGTAGAGGTGCGGGCCTACCCACCTCCCAGGATATCCTGGCTGA[A>C]AAACAATCTGACTCTGATTGAAAATCTCACTGAGATCACCACTGATGTGGAAAAGATTCA-3'
Protein context (NP_006197.1, residues 341-361): AYPPPRISWL[Lys351Thr]NNLTLIENLT

ClinVar aggregate classification (germline): Uncertain significance (1 of 4 stars; one submission).

Conditions:
Gastrointestinal stromal tumor. Also called: Gastrointestinal stromal tumor, somatic; Gastrointestinal stroma tumor. Identifiers: Orphanet 44890, MedGen C0238198, MeSH D046152, MONDO:0011719, OMIM 606764, HP:0100723.

Submission:

Labcorp Genetics (formerly Invitae), Labcorp
Classification: Uncertain significance for Gastrointestinal stromal tumor. Last evaluated: 2025-08-29. Review status: criteria provided, single submitter. Criteria: Invitae Variant Classification Sherloc (09022015). Collection method: clinical testing. Allele origin: germline.
Comment: This sequence change replaces lysine, which is basic and polar, with threonine, which is neutral and polar, at codon 351 of the PDGFRA protein (p.Lys351Thr). This variant is not present in population databases (gnomAD no frequency). This variant has not been reported in the literature in individuals affected with PDGFRA-related conditions. Invitae Evidence Modeling of protein sequence and biophysical properties (such as structural, functional, and spatial information, amino acid conservation, physicochemical variation, residue mobility, and thermodynamic stability) indicates that this missense variant is not expected to disrupt PDGFRA protein function with a negative predictive value of 80%. In summary, the available evidence is currently insufficient to determine the role of this variant in disease. Therefore, it has been classified as a Variant of Uncertain Significance.